The following is an entry in ClinVar:

NM_005677.4(COLQ):c.394-185A>G

Gene: COLQ (collagen like tail subunit of asymmetric acetylcholinesterase; minus strand). Cytogenetic location: 3p25.1.
Variant type: single nucleotide variant.
Coding change: c.394-185A>G on transcript NM_005677.4 (MANE Select); 185 bases into the intron before coding-DNA position 394, A replaced by G.
Molecular consequence: intron variant.
Genome position (GRCh38, 1-based): chr3:15,477,382, T>C on the plus strand (A>G on the coding strand, the complement: COLQ is on the minus strand). VCF-style: chr3-15477382-T-C. GRCh37 (hg19) VCF-style: chr3-15518889-T-C.
Other names: c.292-185A>G (NM_080539.4); c.364-185A>G (NM_080538.2).
Identifiers: ClinVar variation 679250 (VCV000679250.2), dbSNP rs13074638, ClinGen allele CA15246055.

ClinVar aggregate classification (germline): Benign. Review status: criteria provided, multiple submitters, no conflicts (2 of 4 stars). 2 submissions from 2 submitters: Benign (2). Last evaluated 2018-06-19.

Allele frequency attached by ClinVar (database versions not stated): gnomAD 0.43631 and 0.43899; TOPMed 0.44616; 1000 Genomes Project 0.46006; 1000 Genomes Project 30x 0.46065.
gnomAD v4.1: 250,032 of 607,554 alleles (41%); highest among the groups gnomAD compares: African/African-American, 53%; 52,742 homozygotes.

Submissions (2):

GeneDx
Classification: Benign. Last evaluated: 2018-06-19. Review status: criteria provided, single submitter. Criteria: GeneDx Variant Classification (06012015). Collection method: clinical testing. Allele origin: germline. Affected: yes.
Comment: This variant is considered likely benign or benign based on one or more of the following criteria: it is a conservative change, it occurs at a poorly conserved position in the protein, it is predicted to be benign by multiple in silico algorithms, and/or has population frequency not consistent with disease.

Breakthrough Genomics
Classification: Benign. Review status: criteria provided, single submitter. Criteria: ACMG Guidelines, 2015. Collection method: not provided. Allele origin: germline. Inheritance: Autosomal recessive inheritance. Affected: yes.